The following is an entry in ClinVar:

NM_006767.4(LZTR1):c.702_703delinsGC (p.Val235Leu)

Gene: LZTR1 (leucine zipper like post translational regulator 1; plus strand). Cytogenetic location: 22q11.21.
Variant type: Indel.
Coding change: c.702_703delinsGC on transcript NM_006767.4 (MANE Select); coding-DNA positions 702 to 703, TG replaced by GC.
Protein change: p.Val235Leu; replaces valine 235 with leucine.
Molecular consequence: missense variant.
Genome position (GRCh38, 1-based): chr22:20,990,436-20,990,437, TG replaced by GC. VCF-style: chr22-20990436-TG-GC. GRCh37 (hg19) VCF-style: chr22-21344725-TG-GC.
Other names: short protein forms V235L.
Identifiers: ClinVar variation 4859356 (VCV004859356.1).

ClinVar aggregate classification (germline): Uncertain significance (1 of 4 stars; one submission).

Conditions:
Cardiovascular phenotype. Identifiers: MedGen CN230736.
Hereditary cancer-predisposing syndrome. Also called: Neoplastic Syndromes, Hereditary; Tumor predisposition; Hereditary Cancer Syndrome; Hereditary neoplastic syndrome. Identifiers: Orphanet 140162, MedGen C0027672, MeSH D009386, MONDO:0015356.

Submission:

Ambry Genetics
Classification: Uncertain significance for Cardiovascular phenotype; Hereditary cancer-predisposing syndrome. Last evaluated: 2026-03-24. Review status: criteria provided, single submitter. Criteria: Ambry Variant Classification Scheme 2023. Collection method: clinical testing. Allele origin: germline.
Comment: The c.702_703delTGinsGC variant, located in coding exon 8 of the LZTR1 gene, results from an in-frame deletion of TG and insertion of GC at nucleotide positions 702 to 703. This results in the substitution of the valine residue for a leucine residue at codon 235, an amino acid with highly similar properties. This amino acid position is highly conserved in available vertebrate species. In addition, the in silico prediction for this variant is inconclusive. Based on the available evidence, the clinical significance of this variant remains unclear.